The following is an entry in ClinVar:

ClinVar aggregate classification (germline): Uncertain significance (0 of 4 stars; one submission).

Conditions:
Familial cardiomyopathy. Identifiers: MedGen C0264789, MONDO:0005217.

Submission:

Evolutionary and Medical Genetics Laboratory,  Centre for Cellular and Molecular Biology
Classification: Uncertain significance. Review status: no assertion criteria provided. Collection method: not provided. Allele origin: unknown.
Comment: Synonymous
ClinVar note: Converted during submission from unknown to Uncertain significance.

NM_000257.4(MYH7):c.2469G>T (p.Gly823=)

Genes: MYH7 (myosin heavy chain 7; minus strand), LOC126861898 (BRD4-independent group 4 enhancer GRCh37_chr14:23893609-23894808; plus strand). Cytogenetic location: 14q11.2.
Variant type: single nucleotide variant.
Coding change: c.2469G>T on transcript NM_000257.4 (MANE Select); coding-DNA position 2469, G replaced by T.
Protein change: p.Gly823=; no amino-acid change (glycine 823 retained).
Molecular consequence: synonymous variant.
Genome position (GRCh38, 1-based): chr14:23,424,979, C>A on the plus strand (G>T on the coding strand, the complement: MYH7 is on the minus strand). VCF-style: chr14-23424979-C-A. GRCh37 (hg19) VCF-style: chr14-23894188-C-A.
Other names: G823G.
Identifiers: ClinVar variation 132910 (VCV000132910.2), dbSNP rs606231338, ClinGen allele CA012386.